The following is an entry in ClinVar:

NM_007294.4(BRCA1):c.154C>T (p.Leu52Phe)

Gene: BRCA1 (BRCA1 DNA repair associated; minus strand). Cytogenetic location: 17q21.31.
Variant type: single nucleotide variant.
Coding change: c.154C>T on transcript NM_007294.4 (MANE Select); coding-DNA position 154, C replaced by T.
Protein change: p.Leu52Phe; replaces leucine 52 with phenylalanine.
Molecular consequence: missense variant. On other transcripts: non-coding transcript variant (1).
Genome position (GRCh38, 1-based): chr17:43,106,514, G>A on the plus strand (C>T on the coding strand, the complement: BRCA1 is on the minus strand). VCF-style: chr17-43106514-G-A. GRCh37 (hg19) VCF-style: chr17-41258531-G-A.
Other names: NM_007294.4(BRCA1):c.154C>T; 273C>T; c.-35C>T (NM_001407571.1, NM_001407853.1, NM_001407879.1 and 58 more transcripts); c.154C>T, p.Leu52Phe (NM_001407581.1, NM_001407582.1, NM_001407583.1 and 168 more transcripts); c.13C>T, p.Leu5Phe (NM_001407692.1, NM_001407694.1, NM_001407695.1 and 99 more transcripts); short protein forms L52F, L5F.
Identifiers: ClinVar variation 37421 (VCV000037421.44), dbSNP rs80357084, ClinGen allele CA001039.

ClinVar aggregate classification (germline): Benign. Review status: reviewed by expert panel (3 of 4 stars). 22 submissions from 22 submitters: Benign (1). 21 of the submissions do not count toward it. Last evaluated 2026-07-15.

Conditions:
BRCA1-related disorder. Also called: BRCA1-related condition.
BRCA1-related cancer predisposition. Identifiers: MedGen CN377757, MONDO:0700268.
Hereditary cancer-predisposing syndrome. Also called: Tumor predisposition; Neoplastic Syndromes, Hereditary; Hereditary Cancer Syndrome; Hereditary neoplastic syndrome. Identifiers: Orphanet 140162, MedGen C0027672, MeSH D009386, MONDO:0015356.
Breast and/or ovarian cancer. Identifiers: MedGen CN221562.
Ovarian cancer. Also called: OVARIAN CANCER, SOMATIC. Identifiers: Orphanet 213500, MedGen C1140680, MONDO:0008170, OMIM 167000.
Hereditary breast ovarian cancer syndrome. Also called: Hereditary breast and ovarian cancer syndrome (HBOC); Hereditary breast and ovarian cancer syndrome; Hereditary breast and ovarian cancer; Hereditary breast and/or ovarian cancer syndrome; Breast and ovarian cancer; BRCA1- and BRCA2-Associated Hereditary Breast and Ovarian Cancer. Identifiers: Orphanet 145, MedGen C0677776, MeSH D061325, MONDO:0003582. Disease mechanism: loss of function.
Breast-ovarian cancer, familial, susceptibility to, 1 (BROVCA1). Also called: OVARIAN CANCER, SUSCEPTIBILITY TO; BRCA1 Hereditary Breast and Ovarian Cancer. Identifiers: Orphanet 145, MedGen C2676676, MONDO:0011450, OMIM 604370. Disease mechanism: loss of function.

Allele frequency attached by ClinVar (database versions not stated): gnomAD 0.00001; gnomAD exomes 0.00007 and 0.00010; ExAC 0.00013.
gnomAD v4.1: 104 of 1,600,984 alleles (0.0065%); highest among the groups gnomAD compares: East Asian, 0.23%; 1 homozygote.

Submissions 1 to 10 of 23:

ClinGen ENIGMA BRCA1 and BRCA2 Variant Curation Expert Panel, ClinGen
Classification: Benign for BRCA1-related cancer predisposition. Last evaluated: 2026-07-15. Review status: reviewed by expert panel. Criteria: CSpec BRCA1/2ACMG Rules Specifications V1.2. Collection method: curation. Allele origin: germline. Inheritance: Autosomal dominant inheritance.
Comment: The c.154C>T variant in BRCA1 is a missense variant predicted to cause substitution of Leucine by Phenylalanine at amino acid 52 (p.(Leu52Phe)). The Total GrpMax filtering allele frequency (the lower threshold of the 95% CI) in gnomAD v4.1 is 0.001942 in the East Asian genetic ancestry group (based on 103/44742 alleles) which is above the ENIGMA BRCA1/2 VCEP threshold (>0.001) for BA1 (BA1 met). In summary, this variant meets the criteria to be classified as a Benign variant for BRCA1-related cancer predisposition based on the ACMG/AMP criteria applied as specified by the ENIGMA BRCA1/2 VCEP (v1.2) (BA1).

Labcorp Genetics (formerly Invitae), Labcorp
Classification: Likely benign for Hereditary breast ovarian cancer syndrome. Last evaluated: 2026-02-03. Review status: criteria provided, single submitter. Criteria: Invitae Variant Classification Sherloc (09022015). Collection method: clinical testing. Allele origin: germline. Not counted in ClinVar's aggregate classification.

PreventionGenetics, part of Exact Sciences
Classification: Uncertain significance for BRCA1-related condition. Last evaluated: 2025-11-25. Review status: criteria provided, single submitter. Criteria: ACMG Guidelines, 2015. Collection method: clinical testing. Allele origin: germline. Not counted in ClinVar's aggregate classification.
Comment: The BRCA1 c.154C>T variant is predicted to result in the amino acid substitution p.Leu52Phe. This variant was identified in individuals of Asian ancestry with breast cancer (see for example: Han et al. 2006. PubMed ID: 17100994; Kim et al. 2006. PubMed ID: 16949048; Nakamura et al. 2015. PubMed ID: 24249303; Hirotsu et al. 2015. PubMed ID: 25802882) but was also found in healthy control individuals (Table 2, Jang et al. 2012. PubMed ID: 22217648). It was also identified in an individual with pancreatic ductal adenocarcinoma (Kondo et al. 2018. PubMed ID: 29731985). Functional studies reveal conflicting results regarding this variant. Morris et al. suggests that this variant results in reduced ubiquitin ligase activity (Morris et al. 2006. PubMed ID: 16403807). However, conflicting studies demonstrate ubiquitin ligase activity of BRCA1/BARD1 heteroduplex (Brzovic et al. 2003. PubMed ID: 12732733; Starita et al. 2016. PubMed ID: 25823446) and homology directed recombination activity comparable to wild type (Table 1, Ransburgh et al 2010. PubMed ID: 20103620; Towler et al. 2013. PubMed ID: 23161852). In a tissue culture-based functional assay for centrosome control, this variant was did not impact the pairing of centrioles, but was defective in regulating centrosome duplication (Kais et al. 2012. PubMed ID: 21725363). This variant is reported in 0.14% of alleles in individuals of East Asian descent in gnomAD and has conflicting interpretations in ClinVar ranging from benign to uncertain (Variation ID: 37421). Although we suspect that this variant may be benign, the clinical significance of this variant is uncertain at this time due to the absence of conclusive functional and genetic evidence.

Quest Diagnostics Nichols Institute San Juan Capistrano
Classification: Likely benign. Last evaluated: 2025-06-06. Review status: criteria provided, single submitter. Criteria: Quest Diagnostics criteria. Collection method: clinical testing. Allele origin: unknown. Not counted in ClinVar's aggregate classification.

Center for Genomic Medicine, Rigshospitalet, Copenhagen University Hospital
Classification: Benign. Last evaluated: 2025-03-04. Review status: criteria provided, single submitter. Criteria: ACMG Guidelines, 2015. Collection method: clinical testing. Allele origin: germline. Not counted in ClinVar's aggregate classification.

ARUP Laboratories, Molecular Genetics and Genomics, ARUP Laboratories
Classification: Benign. Last evaluated: 2024-03-13. Review status: criteria provided, single submitter. Criteria: ARUP Molecular Germline Variant Investigation Process 2024. Collection method: clinical testing. Allele origin: germline. Not counted in ClinVar's aggregate classification.

GeneDx
Classification: Uncertain significance. Last evaluated: 2022-12-02. Review status: criteria provided, single submitter. Criteria: GeneDx Variant Classification Process June 2021. Collection method: clinical testing. Allele origin: germline. Affected: yes. Not counted in ClinVar's aggregate classification.
Comment: Observed in individuals with personal history of breast and/or ovarian cancer, but also in healthy controls (Han 2006, Kim 2006, Sugano 2008, Jang 2012, Hirotsu 2015, Nakamura 2015, Yoon 2017, Hwang 2017, Ryu 2017, Choi 2018, Li 2019, Kim 2020, Momozawa 2021); Published functional studies are conflicting: BARD1 binding, single-stranded DNA repair activity, and cell survival similar to wild-type, mixed results with respect to homology-directed repair and E3 ubiquitin ligase activity, decreased E2 binding, and intermediate increase in centrosome amplification (Brzovic 2003, Morris 2006, Ransburgh 2010, Kais 2012, Towler 2013, Starita 2015, Findlay 2018, Starita 2018, Kweon 2019); In silico analysis supports that this missense variant has a deleterious effect on protein structure/function; Also known as 273C>T; This variant is associated with the following publications: (PMID: 23161852, 17100994, 20967475, 22217648, 26709275, 28111427, 32803532, 21725363, 12732733, 20103620, 19016756, 16949048, 25802882, 27658390, 24249303, 18528753, 25823446, 28392550, 28364669, 21309043, 11573085, 28440963, 25186627, 15385441, 16267036, 29020732, 29215753, 18493658, 28970858, 29176636, 29731985, 30209399, 30415210, 30725392, 31131967, 30866919, 29240602, 31467430, 29752822, 32548945, 31924417, 32973888, 31907386, 32741062, 32377563, 33606355, Paquette[article]2021, 24389207, 20104584, 8944023, 33720123, 32467295, 30287823, 33428613, 33875706, 30219179, 35373174, 16403807)

Revvity Omics, Revvity
Classification: Uncertain significance. Last evaluated: 2022-01-04. Review status: criteria provided, single submitter. Criteria: ACMG Guidelines, 2015. Collection method: clinical testing. Allele origin: germline. Not counted in ClinVar's aggregate classification.

CHEO Genetics Diagnostic Laboratory, Children's Hospital of Eastern Ontario
Classification: Uncertain significance for Breast and/or ovarian cancer. Last evaluated: 2021-04-23. Review status: criteria provided, single submitter. Criteria: ACMG Guidelines, 2015. Collection method: clinical testing. Allele origin: germline. Not counted in ClinVar's aggregate classification.

Ambry Genetics
Classification: Likely benign for Hereditary cancer-predisposing syndrome. Last evaluated: 2021-02-24. Review status: criteria provided, single submitter. Criteria: Ambry Variant Classification Scheme 2023. Collection method: clinical testing. Allele origin: germline. Not counted in ClinVar's aggregate classification.